The following is an entry in ClinVar:

NM_001384474.1(LOXHD1):c.2645_2652del (p.His882fs)

Gene: LOXHD1 (lipoxygenase homology PLAT domains 1; minus strand). Cytogenetic location: 18q21.1.
Variant type: Deletion.
Coding change: c.2645_2652del on transcript NM_001384474.1 (MANE Select); coding-DNA positions 2645 to 2652, 8 bases deleted (ACACGGGC; older notation c.2645_2652delACACGGGC).
Protein change: p.His882fs; shifts the reading frame from histidine 882.
Molecular consequence: frameshift variant.
Genome position (GRCh38, 1-based): chr18:46,560,492-46,560,499, GCCCGTGT deleted on the plus strand (ACACGGGC on the coding strand, the reverse complement: LOXHD1 is on the minus strand); deleting any 8 consecutive bases within chr18:46,560,492-46,560,504 gives the same sequence; the c. name uses the placement nearest the transcript's 3' end. VCF-style (leftmost placement, unchanged base first): chr18-46560491-CGCCCGTGT-C. GRCh37 (hg19) VCF-style: chr18-44140454-CGCCCGTGT-C.
Other names: c.2645_2652del, p.His882fs (NM_144612.7); short protein forms H882fs.
Identifiers: ClinVar variation 2841751 (VCV002841751.3), dbSNP rs2511833089, ClinGen allele CA2739268657.

ClinVar aggregate classification (germline): Pathogenic (1 of 4 stars; one submission).

Submission:

Labcorp Genetics (formerly Invitae), Labcorp
Classification: Pathogenic. Last evaluated: 2023-03-01. Review status: criteria provided, single submitter. Criteria: Invitae Variant Classification Sherloc (09022015). Collection method: clinical testing. Allele origin: germline.
Comment: For these reasons, this variant has been classified as Pathogenic. This variant has not been reported in the literature in individuals affected with LOXHD1-related conditions. This variant is not present in population databases (gnomAD no frequency). This sequence change creates a premature translational stop signal (p.His882Argfs*104) in the LOXHD1 gene. It is expected to result in an absent or disrupted protein product. Loss-of-function variants in LOXHD1 are known to be pathogenic (PMID: 19732867, 21465660, 25792669).

Literature cited by the submitters: PubMed 19732867; PubMed 21465660; PubMed 25792669.